The following is an entry in ClinVar:

NM_024120.5(NDUFAF5):c.24G>A (p.Trp8Ter)

Genes: NDUFAF5 (NADH:ubiquinone oxidoreductase complex assembly factor 5; plus strand), LOC130065433 (ATAC-STARR-seq lymphoblastoid active region 17552; plus strand). Cytogenetic location: 20p12.1.
Variant type: single nucleotide variant.
Coding change: c.24G>A on transcript NM_024120.5 (MANE Select); coding-DNA position 24, G replaced by A.
Protein change: p.Trp8Ter; replaces tryptophan 8 with a stop codon.
Molecular consequence: nonsense. On other transcripts: 5 prime UTR variant (3), non-coding transcript variant (7).
Genome position (GRCh38, 1-based): chr20:13,785,092, G>A. VCF-style: chr20-13785092-G-A. GRCh37 (hg19) VCF-style: chr20-13765738-G-A.
Other names: c.24G>A (NM_024120.4); c.24G>A, p.Trp8Ter (NM_001039375.3, NM_001352408.2); c.-344G>A (NM_001352403.2); c.-558G>A (NM_001352406.2); c.-672G>A (NM_001352407.2); short protein forms W8*.
Identifiers: ClinVar variation 1982970 (VCV001982970.7), dbSNP rs763023951, ClinGen allele CA9767560.

ClinVar aggregate classification (germline): Pathogenic/Likely pathogenic. Review status: criteria provided, multiple submitters, no conflicts (2 of 4 stars). 3 submissions from 3 submitters: Pathogenic (2); Likely pathogenic (1). Last evaluated 2025-11-01.

Conditions:
Mitochondrial complex I deficiency, nuclear type 16. Also called: Mitochondrial complex 1 deficiency, nuclear type 16. Identifiers: MedGen C4748785, MONDO:0032621, OMIM 618238.
Mitochondrial complex I deficiency. Also called: NADH:Q(1) OXIDOREDUCTASE DEFICIENCY. Identifiers: Orphanet 2609, MedGen C1838979, MeSH C537475, MONDO:0100133.

Allele frequency attached by ClinVar (database versions not stated): TOPMed below 0.00001; ExAC 0.00001; gnomAD exomes 0.00001.
gnomAD v4.1: 6 of 1,612,876 alleles (0.00037%); highest among the groups gnomAD compares: South Asian, 0.0033%; no homozygotes.

Submissions (3):

Labcorp Genetics (formerly Invitae), Labcorp
Classification: Pathogenic. Last evaluated: 2025-11-01. Review status: criteria provided, single submitter. Criteria: Invitae Variant Classification Sherloc (09022015). Collection method: clinical testing. Allele origin: germline.
Comment: This sequence change creates a premature translational stop signal (p.Trp8*) in the NDUFAF5 gene. It is expected to result in an absent or disrupted protein product. Loss-of-function variants in NDUFAF5 are known to be pathogenic (PMID: 26275793, 30473481, 32918965). This variant is present in population databases (rs763023951, gnomAD 0.005%). This premature translational stop signal has been observed in individual(s) with Leber hereditary optic neuropathy (PMID: 32918965). ClinVar contains an entry for this variant (Variation ID: 1982970). For these reasons, this variant has been classified as Pathogenic.

Natera, Inc.
Classification: Likely pathogenic for Mitochondrial complex I deficiency. Last evaluated: 2024-11-04. Review status: criteria provided, single submitter. Criteria: Natera Variant Classification Schema (03/2026). Collection method: clinical testing. Allele origin: germline.
Comment: The c.24G>A variant in NDUFAF5 is a nonsense variant predicted to introduce a stop codon at amino acid 8. This variant is expected to result in nonsense mediated decay, truncation, or a dysfunctional protein product. This variant is rare in the general population with a frequency below the threshold expected for the associated phenotype(s). Given the available evidence, this variant is classified as Likely Pathogenic.

Baylor Genetics
Classification: Pathogenic for Mitochondrial complex I deficiency, nuclear type 16. Last evaluated: 2023-11-29. Review status: criteria provided, single submitter. Criteria: ACMG Guidelines, 2015. Collection method: clinical testing. Allele origin: unknown.

Literature cited by the submitters: PubMed 26275793 (cited by Labcorp Genetics (formerly Invitae), Labcorp); PubMed 30473481 (cited by Labcorp Genetics (formerly Invitae), Labcorp); PubMed 32918965 (cited by Labcorp Genetics (formerly Invitae), Labcorp).